The following is an entry in ClinVar:

ClinVar aggregate classification (germline): Conflicting classifications of pathogenicity. Review status: criteria provided, conflicting classifications (1 of 4 stars). 2 submissions from 2 submitters: Uncertain significance (1); Likely benign (1). Last evaluated 2018-06-05.

Conditions:
Autism, susceptibility to, 17. Also called: Autism susceptibility 17. Identifiers: MedGen C3150693, MONDO:0013265, OMIM 613436.

Allele frequency attached by ClinVar (database versions not stated): TOPMed 0.00011; ExAC 0.00021; gnomAD exomes 0.00024 and 0.00011; gnomAD 0.00004 and 0.00003.
gnomAD v4.1: 70 of 1,613,968 alleles (0.0043%); highest among the groups gnomAD compares: Admixed American, 0.11%; 1 homozygote.

Submissions (2):

Labcorp Genetics (formerly Invitae), Labcorp
Classification: Likely benign. Last evaluated: 2018-06-05. Review status: criteria provided, single submitter. Criteria: Invitae Variant Classification Sherloc (09022015). Collection method: clinical testing. Allele origin: germline.

Baylor Genetics
Classification: Uncertain significance for Autism, susceptibility to, 17. Last evaluated: 2018-03-22. Review status: criteria provided, single submitter. Criteria: ACMG Guidelines, 2015. Collection method: clinical testing. Allele origin: paternal. Affected: yes.
Comment: This variant was determined to be of uncertain significance according to ACMG Guidelines, 2015 [PMID:25741868].

NM_012309.5(SHANK2):c.4313T>C (p.Val1438Ala)

Gene: SHANK2 (SH3 and multiple ankyrin repeat domains 2; minus strand). Cytogenetic location: 11q13.3.
Variant type: single nucleotide variant.
Coding change: c.4313T>C on transcript NM_012309.5 (MANE Select); coding-DNA position 4313, T replaced by C.
Protein change: p.Val1438Ala; replaces valine 1438 with alanine.
Molecular consequence: missense variant.
Genome position (GRCh38, 1-based): chr11:70,485,980, A>G on the plus strand (T>C on the coding strand, the complement: SHANK2 is on the minus strand). VCF-style: chr11-70485980-A-G. GRCh37 (hg19) VCF-style: chr11-70332085-A-G.
Other names: c.3176T>C, p.Val1059Ala (NM_001379226.1); c.2549T>C, p.Val850Ala (NM_133266.5); short protein forms V850A, V1438A, V1059A.
Identifiers: ClinVar variation 739474 (VCV000739474.4), dbSNP rs781890061, ClinGen allele CA6160938.